The following is an entry in ClinVar:

NM_001363711.2(DUOX2):c.2544G>C (p.Leu848=)

Gene: DUOX2 (dual oxidase 2; minus strand). Cytogenetic location: 15q21.1.
Variant type: single nucleotide variant.
Coding change: c.2544G>C on transcript NM_001363711.2 (MANE Select); coding-DNA position 2544, G replaced by C.
Protein change: p.Leu848=; no amino-acid change (leucine 848 retained).
Molecular consequence: synonymous variant.
Genome position (GRCh38, 1-based): chr15:45,104,156, C>G on the plus strand (G>C on the coding strand, the complement: DUOX2 is on the minus strand). VCF-style: chr15-45104156-C-G. GRCh37 (hg19) VCF-style: chr15-45396354-C-G.
Other names: p.Leu848=; c.2544G>C, p.Leu848= (NM_014080.5).
Identifiers: ClinVar variation 316164 (VCV000316164.44), dbSNP rs139095108, ClinGen allele CA7538237.

ClinVar aggregate classification (germline): Conflicting classifications of pathogenicity. Review status: criteria provided, conflicting classifications (1 of 4 stars). 7 submissions from 7 submitters: Uncertain significance (1); Benign (2); Likely benign (2). 2 of the submissions do not count toward it. Last evaluated 2026-02-04.

Conditions:
Thyroid dyshormonogenesis 6 (TDH6). Also called: HYPOTHYROIDISM, CONGENITAL, DUE TO DYSHORMONOGENESIS, 6; Genetic transient congenital hypothyroidism; THYROID HORMONOGENESIS, GENETIC DEFECT IN, 6. Identifiers: Orphanet 226316, Orphanet 95716, MedGen C1846632, MONDO:0011792, OMIM 607200.

Allele frequency attached by ClinVar (database versions not stated): 1000 Genomes Project 30x 0.00109; 1000 Genomes Project 0.00120; gnomAD 0.00224 and 0.00232; ExAC 0.00230; gnomAD exomes 0.00237 and 0.00396; TOPMed 0.00237; ESP Exome Variant Server 0.00262.
gnomAD v4.1: 6,049 of 1,614,146 alleles (0.37%); highest among the groups gnomAD compares: Non-Finnish European, 0.48%; 18 homozygotes.

Submissions (7):

Labcorp Genetics (formerly Invitae), Labcorp
Classification: Benign. Last evaluated: 2026-02-04. Review status: criteria provided, single submitter. Criteria: Invitae Variant Classification Sherloc (09022015). Collection method: clinical testing. Allele origin: germline.

CeGaT Center for Human Genetics Tuebingen
Classification: Likely benign. Last evaluated: 2025-02-01. Review status: criteria provided, single submitter. Criteria: CeGaT Center For Human Genetics Tuebingen Variant Classification Criteria Version 2. Collection method: clinical testing. Allele origin: germline. Affected: yes. Observed: 5 variant alleles.
Comment: DUOX2: BP4, BP7, BS2

Blueprint Genetics
Classification: Likely benign. Last evaluated: 2024-11-21. Review status: criteria provided, single submitter. Criteria: ACMG Guidelines, 2015. Collection method: clinical testing. Allele origin: germline.

Mayo Clinic Laboratories, Mayo Clinic
Classification: Benign. Last evaluated: 2024-09-23. Review status: criteria provided, single submitter. Criteria: ACMG Guidelines, 2015. Collection method: clinical testing. Allele origin: germline. Observed: 2 variant alleles.
Comment: BS1, BS2, BP4, BP7

Illumina Laboratory Services, Illumina
Classification: Uncertain significance for Thyroid dyshormonogenesis 6. Last evaluated: 2018-01-13. Review status: criteria provided, single submitter. Criteria: ICSL Variant Classification Criteria 13 December 2019. Collection method: clinical testing. Allele origin: germline.

Clinical Genetics DNA and cytogenetics Diagnostics Lab, Erasmus MC, Erasmus Medical Center
Classification: Likely benign. Review status: no assertion criteria provided. Collection method: clinical testing. Allele origin: germline. Affected: yes. Study: VKGL Data-share Consensus. Not counted in ClinVar's aggregate classification.

Clinical Genetics, Academic Medical Center
Classification: Benign. Review status: no assertion criteria provided. Collection method: clinical testing. Allele origin: germline. Affected: yes. Study: VKGL Data-share Consensus. Not counted in ClinVar's aggregate classification.